The following is an entry in ClinVar:

NM_007289.4(MME):c.1154G>A (p.Arg385Gln)

Gene: MME (membrane metalloendopeptidase; plus strand). Cytogenetic location: 3q25.2.
Variant type: single nucleotide variant.
Coding change: c.1154G>A on transcript NM_007289.4 (MANE Select); coding-DNA position 1154, G replaced by A.
Protein change: p.Arg385Gln; replaces arginine 385 with glutamine.
Molecular consequence: missense variant.
Genome position (GRCh38, 1-based): chr3:155,142,296, G>A. VCF-style: chr3-155142296-G-A. GRCh37 (hg19) VCF-style: chr3-154860085-G-A.
Other names: c.1154G>A, p.Arg385Gln (NM_000902.5, NM_001354642.2, NM_001354643.1 and 2 more transcripts); short protein forms R385Q.
Identifiers: ClinVar variation 1339101 (VCV001339101.5), dbSNP rs200791566, ClinGen allele CA2675404.

ClinVar aggregate classification (germline): Uncertain significance. Review status: criteria provided, multiple submitters, no conflicts (2 of 4 stars). 2 submissions from 2 submitters: Uncertain significance (2). Last evaluated 2025-07-03.

Conditions:
Charcot-Marie-Tooth disease axonal type 2T. Identifiers: Orphanet 443950, MedGen C4015635, OMIM 617017, MONDO:0014866.

Allele frequency attached by ClinVar (database versions not stated): ExAC 0.00003; gnomAD 0.00003; ESP Exome Variant Server 0.00008; 1000 Genomes Project 30x 0.00016; 1000 Genomes Project 0.00020; gnomAD exomes 0.00003; TOPMed 0.00004.
gnomAD v4.1: 56 of 1,613,446 alleles (0.0035%); highest among the groups gnomAD compares: African/African-American, 0.029%; no homozygotes.

Submissions (2):

Labcorp Genetics (formerly Invitae), Labcorp
Classification: Uncertain significance. Last evaluated: 2025-07-03. Review status: criteria provided, single submitter. Criteria: Invitae Variant Classification Sherloc (09022015). Collection method: clinical testing. Allele origin: germline.
Comment: This sequence change replaces arginine, which is basic and polar, with glutamine, which is neutral and polar, at codon 385 of the MME protein (p.Arg385Gln). This variant is present in population databases (rs200791566, gnomAD 0.02%). This missense change has been observed in individual(s) with clinical features of MME-related conditions (PMID: 33144514). ClinVar contains an entry for this variant (Variation ID: 1339101). An algorithm developed to predict the effect of missense changes on protein structure and function (PolyPhen-2) suggests that this variant is likely to be tolerated. In summary, the available evidence is currently insufficient to determine the role of this variant in disease. Therefore, it has been classified as a Variant of Uncertain Significance.

Neuberg Centre For Genomic Medicine, NCGM
Classification: Uncertain significance for Charcot-Marie-Tooth disease axonal type 2T. Review status: criteria provided, single submitter. Criteria: ACMG Guidelines, 2015. Collection method: clinical testing. Allele origin: germline. Affected: yes.
Comment: The missense variant p.R385Q in MME (NM_007289.4) has not been reported previously as a pathogenic variant nor as a benign variant, to our knowledge. The p.R385Q variant is observed in 3/16,238 (0.0185%) alleles from individuals of African background in gnomAD Exomes and in 1/1,322 (0.0756%) alleles from individuals of African background in 1000 Genomes. There is a small physicochemical difference between arginine and glutamine, which is not likely to impact secondary protein structure as these residues share similar properties. For these reasons, this variant has been classified as Uncertain Significance.

Literature cited by the submitters: PubMed 33144514 (cited by Labcorp Genetics (formerly Invitae), Labcorp).